The following is an entry in ClinVar:

ClinVar aggregate classification (germline): Likely pathogenic. Review status: criteria provided, single submitter (1 of 4 stars). 2 submissions from 2 submitters: Likely pathogenic (1). 1 of the submissions does not count toward it. Last evaluated 2023-08-08.

Conditions:
Neuronal ceroid lipofuscinosis 1 (CLN1). Also called: CEROID LIPOFUSCINOSIS, NEURONAL, 1, VARIABLE AGE AT ONSET; PPT1-Related Neuronal Ceroid-Lipofuscinosis. Identifiers: Orphanet 228329, MedGen C1850451, MONDO:0009744, OMIM 256730.

Allele frequency attached by ClinVar (database versions not stated): gnomAD exomes below 0.00001.
gnomAD v4.1: 1 of 1,566,902 alleles (0.000064%); no homozygotes.

Submissions (2):

GeneDx
Classification: Likely pathogenic. Last evaluated: 2023-08-08. Review status: criteria provided, single submitter. Criteria: GeneDx Variant Classification Process June 2021. Collection method: clinical testing. Allele origin: germline. Affected: yes.
Comment: Published functional studies demonstrate a damaging effect, with the c.125-15T>G variant causing aberrant splicing and reducing PPT1 enzyme activity (Bonsignore et al., 2006); Not observed at significant frequency in large population cohorts (gnomAD); This variant is associated with the following publications: (PMID: 28957316, 19302939, 21990111, 16759889, 23374165)

Juha Muilu Group; Institute for Molecular Medicine Finland (FIMM)
Classification: Likely pathogenic for Ceroid lipofuscinosis neuronal 1. Review status: no assertion criteria provided. Collection method: not provided. Allele origin: unknown. Not counted in ClinVar's aggregate classification.
Comment: FinDis database variant: This variant was not found or characterized by our laboratory, data were collected from public sources: see reference
ClinVar note: Converted during submission from probable-pathogenic to Likely pathogenic.

NM_000310.4(PPT1):c.125-15T>G

Gene: PPT1 (palmitoyl-protein thioesterase 1; minus strand). Cytogenetic location: 1p34.2.
Variant type: single nucleotide variant.
Coding change: c.125-15T>G on transcript NM_000310.4 (MANE Select); 15 bases into the intron before coding-DNA position 125, T replaced by G.
Molecular consequence: intron variant.
Genome position (GRCh38, 1-based): chr1:40,092,522, A>C on the plus strand (T>G on the coding strand, the complement: PPT1 is on the minus strand). VCF-style: chr1-40092522-A-C. GRCh37 (hg19) VCF-style: chr1-40558194-A-C.
Other names: c.125-3010T>G (NM_001142604.2); c.125-15T>G (NM_001363695.2).
Identifiers: ClinVar variation 56177 (VCV000056177.3), dbSNP rs386833629, ClinGen allele CA263471.
Genomic context (GRCh38, chr1:40,092,522, plus strand): 5'-ATTTTTTTAATAGCACCCATGCTTAAGGGATTGCAACAGCTGTCTCCTAGCCAACAAAAC[A>C]CAATGATGGAAACTCATGAGTCCAAATATTGTTTATTGTTTAAAAACTCTGAGGCCTCAA-3'